The following is an entry in ClinVar:

ClinVar aggregate classification (germline): Uncertain significance. Review status: criteria provided, multiple submitters, no conflicts (2 of 4 stars). 2 submissions from 2 submitters: Uncertain significance (2). Last evaluated 2024-05-22.

Conditions:
Developmental and epileptic encephalopathy, 1 (DEE1). Also called: X-linked infantile spasms; West's syndrome; Tonic spasms with clustering, arrest of psychomotor development and hypsarrhythmia on EEG; X-Linked Infantile Spasm Syndrome; OHTAHARA SYNDROME, X-LINKED; INFANTILE SPASM SYNDROME, X-LINKED 1. Identifiers: MedGen C3463992, MONDO:0010632, OMIM 308350. Disease mechanism: loss of function.
Autosomal dominant nonsyndromic hearing loss 65. Also called: TBC1D24-Related Autosomal Dominant Nonsyndromic Hearing Loss (DFNA); Deafness, autosomal dominant 65. Identifiers: Orphanet 90635, MedGen C3892048, MONDO:0014470, OMIM 616044.

Allele frequency attached by ClinVar (database versions not stated): gnomAD 0.00002; TOPMed 0.00002.
gnomAD v4.1: 34 of 1,612,662 alleles (0.0021%); highest among the groups gnomAD compares: East Asian, 0.016%; no homozygotes.

Submissions (2):

Labcorp Genetics (formerly Invitae), Labcorp
Classification: Uncertain significance for Developmental and epileptic encephalopathy, 1; Autosomal dominant nonsyndromic hearing loss 65. Last evaluated: 2024-05-22. Review status: criteria provided, single submitter. Criteria: Invitae Variant Classification Sherloc (09022015). Collection method: clinical testing. Allele origin: germline.
Comment: This sequence change replaces aspartic acid, which is acidic and polar, with asparagine, which is neutral and polar, at codon 531 of the TBC1D24 protein (p.Asp531Asn). This variant is present in population databases (rs757236821, gnomAD 0.02%). This variant has not been reported in the literature in individuals affected with TBC1D24-related conditions. ClinVar contains an entry for this variant (Variation ID: 1344933). Advanced modeling of protein sequence and biophysical properties (such as structural, functional, and spatial information, amino acid conservation, physicochemical variation, residue mobility, and thermodynamic stability) performed at Invitae indicates that this missense variant is not expected to disrupt TBC1D24 protein function with a negative predictive value of 80%. In summary, the available evidence is currently insufficient to determine the role of this variant in disease. Therefore, it has been classified as a Variant of Uncertain Significance.

GeneDx
Classification: Uncertain significance. Last evaluated: 2022-03-03. Review status: criteria provided, single submitter. Criteria: GeneDx Variant Classification Process June 2021. Collection method: clinical testing. Allele origin: germline. Affected: yes.
Comment: In silico analysis supports that this missense variant does not alter protein structure/function; Has not been previously published as pathogenic or benign to our knowledge

NM_001199107.2(TBC1D24):c.1591G>A (p.Asp531Asn)

Gene: TBC1D24 (TBC1 domain family member 24; plus strand). Cytogenetic location: 16p13.3.
Variant type: single nucleotide variant.
Coding change: c.1591G>A on transcript NM_001199107.2 (MANE Select); coding-DNA position 1591, G replaced by A.
Protein change: p.Asp531Asn; replaces aspartic acid 531 with asparagine.
Molecular consequence: missense variant.
Genome position (GRCh38, 1-based): chr16:2,500,869, G>A. VCF-style: chr16-2500869-G-A. GRCh37 (hg19) VCF-style: chr16-2550870-G-A.
Other names: c.1573G>A, p.Asp525Asn (NM_020705.3); short protein forms D531N, D525N.
Identifiers: ClinVar variation 1344933 (VCV001344933.6), dbSNP rs757236821, ClinGen allele CA7844355.